The following is an entry in ClinVar:

NM_001379270.1(CNGA1):c.943T>C (p.Tyr315His)

Genes: CNGA1 (cyclic nucleotide gated channel subunit alpha 1; minus strand), LOC101927157 (uncharacterized LOC101927157; plus strand). Cytogenetic location: 4p12.
Variant type: single nucleotide variant.
Coding change: c.943T>C on transcript NM_001379270.1 (MANE Select); coding-DNA position 943, T replaced by C.
Protein change: p.Tyr315His; replaces tyrosine 315 with histidine.
Molecular consequence: missense variant.
Genome position (GRCh38, 1-based): chr4:47,937,539, A>G on the plus strand (T>C on the coding strand, the complement: CNGA1 is on the minus strand). VCF-style: chr4-47937539-A-G. GRCh37 (hg19) VCF-style: chr4-47939556-A-G.
Other names: c.943T>C, p.Tyr315His (NM_000087.5, NM_001142564.2); short protein forms Y315H.
Identifiers: ClinVar variation 1443247 (VCV001443247.7), dbSNP rs914018863, ClinGen allele CA96689262.

ClinVar aggregate classification (germline): Uncertain significance. Review status: criteria provided, multiple submitters, no conflicts (2 of 4 stars). 2 submissions from 2 submitters: Uncertain significance (2). Last evaluated 2022-08-25.

Allele frequency attached by ClinVar (database versions not stated): gnomAD exomes below 0.00001; TOPMed below 0.00001; gnomAD 0.00001.
gnomAD v4.1: 3 of 1,614,104 alleles (0.00019%); highest among the groups gnomAD compares: Non-Finnish European, 0.00025%; no homozygotes.

Submissions (2):

Blueprint Genetics
Classification: Uncertain significance. Last evaluated: 2022-08-25. Review status: criteria provided, single submitter. Criteria: ACMG Guidelines, 2015. Collection method: clinical testing. Allele origin: germline.

Labcorp Genetics (formerly Invitae), Labcorp
Classification: Uncertain significance. Last evaluated: 2021-10-15. Review status: criteria provided, single submitter. Criteria: Invitae Variant Classification Sherloc (09022015). Collection method: clinical testing. Allele origin: germline.
Comment: In summary, the available evidence is currently insufficient to determine the role of this variant in disease. Therefore, it has been classified as a Variant of Uncertain Significance. Algorithms developed to predict the effect of missense changes on protein structure and function (SIFT, PolyPhen-2, Align-GVGD) all suggest that this variant is likely to be disruptive. This variant has not been reported in the literature in individuals affected with CNGA1-related conditions. This variant is not present in population databases (ExAC no frequency). This sequence change replaces tyrosine with histidine at codon 319 of the CNGA1 protein (p.Tyr319His). The tyrosine residue is moderately conserved and there is a moderate physicochemical difference between tyrosine and histidine.